The following is an entry in ClinVar:

ClinVar aggregate classification (germline): Benign/Likely benign. Review status: criteria provided, multiple submitters, no conflicts (2 of 4 stars). 7 submissions from 7 submitters: Benign (4); Likely benign (3). Last evaluated 2026-02-01.

Conditions:
Primary ciliary dyskinesia. Also called: Ciliary dyskinesia. Identifiers: Orphanet 244, MedGen C0008780, MONDO:0016575, HP:0012265.

Allele frequency attached by ClinVar (database versions not stated): gnomAD exomes 0.00291; ExAC 0.00342; ESP Exome Variant Server 0.00934; gnomAD 0.01127 and 0.01186; TOPMed 0.01310; 1000 Genomes Project 0.01677; 1000 Genomes Project 30x 0.01796.

Submissions (8):

Labcorp Genetics (formerly Invitae), Labcorp
Classification: Benign for Primary ciliary dyskinesia. Last evaluated: 2026-02-01. Review status: criteria provided, single submitter. Criteria: Invitae Variant Classification Sherloc (09022015). Collection method: clinical testing. Allele origin: germline.

Mayo Clinic Laboratories, Mayo Clinic
Classification: Benign. Last evaluated: 2024-03-28. Review status: criteria provided, single submitter. Criteria: ACMG Guidelines, 2015. Collection method: clinical testing. Allele origin: germline. Observed: 3 variant alleles.
Comment: BA1, BP4

GeneDx
Classification: Likely benign. Last evaluated: 2024-02-28. Review status: criteria provided, single submitter. Criteria: GeneDx Variant Classification Process June 2021. Collection method: clinical testing. Allele origin: germline. Affected: yes.
Comment: See Variant Classification Assertion Criteria.

Center for Pediatric Genomic Medicine, Children's Mercy Hospital and Clinics
Classification: Likely benign. Last evaluated: 2017-08-28. Review status: criteria provided, single submitter. Criteria: ACMG Guidelines, 2015. Collection method: clinical testing. Allele origin: germline.

Laboratory for Molecular Medicine, Mass General Brigham Personalized Medicine
Classification: Benign. Last evaluated: 2013-02-21. Review status: criteria provided, single submitter. Criteria: LMM Criteria. Collection method: clinical testing. Allele origin: germline. Observed: 1 variant allele.
Comment: Met1316Val in exon 21 of DNAH11: This variant is not expected to have clinical s ignificance because it has been identified in 3.0% (111/3684) of African America n chromosomes from a broad population by the NHLBI Exome Sequencing Project (dbSNP rs17144788).

Breakthrough Genomics
Classification: Likely benign. Review status: criteria provided, single submitter. Criteria: ACMG Guidelines, 2015. Collection method: not provided. Allele origin: germline. Inheritance: Autosomal recessive inheritance. Affected: yes.

PreventionGenetics, part of Exact Sciences
Classification: Benign. Review status: criteria provided, single submitter. Criteria: ACMG Guidelines, 2015. Collection method: clinical testing. Allele origin: germline.

Dr. Peter K. Rogan Lab, Western University
No classification provided (evidence only). Condition: Clear cell carcinoma of kidney. Review status: no classification provided. Collection method: in vitro. Allele origin: not applicable. Functional consequence: retained intron. Not counted in ClinVar's aggregate classification.

NM_001277115.2(DNAH11):c.3946A>G (p.Met1316Val)

Gene: DNAH11 (dynein axonemal heavy chain 11; plus strand). Cytogenetic location: 7p15.3.
Variant type: single nucleotide variant.
Coding change: c.3946A>G on transcript NM_001277115.2 (MANE Select); coding-DNA position 3946, A replaced by G.
Protein change: p.Met1316Val; replaces methionine 1316 with valine.
Molecular consequence: missense variant.
Genome position (GRCh38, 1-based): chr7:21,615,207, A>G. VCF-style: chr7-21615207-A-G. GRCh37 (hg19) VCF-style: chr7-21654825-A-G.
Other names: short protein forms M1316V.
Identifiers: ClinVar variation 238914 (VCV000238914.24), dbSNP rs17144788, ClinGen allele CA4179827.